The following is an entry in ClinVar:

NM_015836.4(WARS2):c.34C>T (p.Arg12Cys)

Genes: WARS2 (tryptophanyl tRNA synthetase 2, mitochondrial; minus strand), WARS2-AS1 (WARS2 antisense RNA 1; plus strand), LOC129931299 (ATAC-STARR-seq lymphoblastoid active region 1590; plus strand). Cytogenetic location: 1p12.
Variant type: single nucleotide variant.
Coding change: c.34C>T on transcript NM_015836.4 (MANE Select); coding-DNA position 34, C replaced by T.
Protein change: p.Arg12Cys; replaces arginine 12 with cysteine.
Molecular consequence: missense variant. On other transcripts: non-coding transcript variant (4), 5 prime UTR variant (3).
Genome position (GRCh38, 1-based): chr1:119,140,611, G>A on the plus strand (C>T on the coding strand, the complement: WARS2 is on the minus strand). VCF-style: chr1-119140611-G-A. GRCh37 (hg19) VCF-style: chr1-119683234-G-A.
Other names: c.34C>T (NM_015836.3); c.-121C>T (NM_001378226.1); c.-312C>T (NM_001378227.1); c.34C>T, p.Arg12Cys (NM_001378228.1, NM_001378229.1, NM_001378231.1 and 1 more transcripts); c.-440C>T (NM_001378230.1); short protein forms R12C.
Identifiers: ClinVar variation 2052383 (VCV002052383.5), dbSNP rs765746988, ClinGen allele CA1035417.

ClinVar aggregate classification (germline): Conflicting classifications of pathogenicity. Review status: criteria provided, conflicting classifications (1 of 4 stars). 2 submissions from 2 submitters: Uncertain significance (1); Likely benign (1). Last evaluated 2026-06-10.

Conditions:
Inborn genetic diseases. Identifiers: MedGen C0950123, MeSH D030342.

Allele frequency attached by ClinVar (database versions not stated): ExAC 0.00001; TOPMed 0.00002.
gnomAD v4.1: 14 of 1,613,894 alleles (0.00087%); highest among the groups gnomAD compares: Admixed American, 0.01%; no homozygotes.

Submissions (2):

Ambry Genetics
Classification: Likely benign for Inborn genetic diseases. Last evaluated: 2026-06-10. Review status: criteria provided, single submitter. Criteria: Ambry Variant Classification Scheme 2023. Collection method: clinical testing. Allele origin: germline.

Labcorp Genetics (formerly Invitae), Labcorp
Classification: Uncertain significance. Last evaluated: 2024-12-09. Review status: criteria provided, single submitter. Criteria: Invitae Variant Classification Sherloc (09022015). Collection method: clinical testing. Allele origin: germline.
Comment: This sequence change replaces arginine, which is basic and polar, with cysteine, which is neutral and slightly polar, at codon 12 of the WARS2 protein (p.Arg12Cys). This variant is present in population databases (rs765746988, gnomAD 0.01%). This variant has not been reported in the literature in individuals affected with WARS2-related conditions. ClinVar contains an entry for this variant (Variation ID: 2052383). An algorithm developed to predict the effect of missense changes on protein structure and function outputs the following: PolyPhen-2: "Benign". The cysteine amino acid residue is found in multiple mammalian species, which suggests that this missense change does not adversely affect protein function. In summary, the available evidence is currently insufficient to determine the role of this variant in disease. Therefore, it has been classified as a Variant of Uncertain Significance.